The following is an entry in ClinVar:

ClinVar aggregate classification (germline): Conflicting classifications of pathogenicity. Review status: criteria provided, conflicting classifications (1 of 4 stars). 5 submissions from 5 submitters: Pathogenic (2); Likely pathogenic (2); Uncertain significance (1). Last evaluated 2024-03-14.

Conditions:
Muscular dystrophy-dystroglycanopathy (congenital with brain and eye anomalies), type A2. Also called: MUSCULAR DYSTROPHY-DYSTROGLYCANOPATHY (CONGENITAL WITH BRAIN AND EYE ANOMALIES), TYPE A, 2; WALKER-WARBURG SYNDROME OR MUSCLE-EYE-BRAIN DISEASE, POMT2-RELATED. Identifiers: Orphanet 588, Orphanet 899, MedGen C3150411, MONDO:0013154, OMIM 613150.
Muscular dystrophy-dystroglycanopathy (congenital with impaired intellectual development), type B, 2. Also called: Muscular dystrophy-dystroglycanopathy (congenital with intellectual disability), type B2; MUSCULAR DYSTROPHY, CONGENITAL, POMT2-RELATED. Identifiers: MedGen C3150416, MONDO:0013160, OMIM 613156.
Autosomal recessive limb-girdle muscular dystrophy type 2N. Also called: Muscular dystrophy-dystroglycanopathy (limb-girdle), type C, 2; MUSCULAR DYSTROPHY-DYSTROGLYCANOPATHY, LIMB-GIRDLE, POMT2-RELATED. Identifiers: Orphanet 206559, MedGen C3150418, MONDO:0013162, OMIM 613158.

Allele frequency attached by ClinVar (database versions not stated): gnomAD exomes below 0.00001.
gnomAD v4.1: 1 of 1,614,106 alleles (0.000062%); highest among the groups gnomAD compares: East Asian, 0.0022%; no homozygotes.

Submissions (5):

Labcorp Genetics (formerly Invitae), Labcorp
Classification: Pathogenic for Muscular dystrophy-dystroglycanopathy (congenital with impaired intellectual development), type B, 2; Muscular dystrophy-dystroglycanopathy (congenital with brain and eye anomalies), type A2; Autosomal recessive limb-girdle muscular dystrophy type 2N. Last evaluated: 2024-03-14. Review status: criteria provided, single submitter. Criteria: Invitae Variant Classification Sherloc (09022015). Collection method: clinical testing. Allele origin: germline.
Comment: This sequence change creates a premature translational stop signal (p.Gln733*) in the POMT2 gene. While this is not anticipated to result in nonsense mediated decay, it is expected to disrupt the last 18 amino acid(s) of the POMT2 protein. This variant is present in population databases (no rsID available, gnomAD 0.006%). This variant has not been reported in the literature in individuals affected with POMT2-related conditions. ClinVar contains an entry for this variant (Variation ID: 501676). This variant disrupts a region of the POMT2 protein in which other variant(s) (p.Trp748Arg) have been determined to be pathogenic (PMID: 17634419, 17869517). This suggests that this is a clinically significant region of the protein, and that variants that disrupt it are likely to be disease-causing. For these reasons, this variant has been classified as Pathogenic.

Baylor Genetics
Classification: Likely pathogenic for Muscular dystrophy-dystroglycanopathy (congenital with brain and eye anomalies), type A2. Last evaluated: 2023-04-01. Review status: criteria provided, single submitter. Criteria: ACMG Guidelines, 2015. Collection method: clinical testing. Allele origin: unknown.

Women's Health and Genetics/Laboratory Corporation of America, LabCorp
Classification: Uncertain significance. Last evaluated: 2021-07-20. Review status: criteria provided, single submitter. Criteria: LabCorp Variant Classification Summary - May 2015. Collection method: clinical testing. Allele origin: germline.
Comment: Variant summary: POMT2 c.2197C>T (p.Gln733X) results in a premature termination codon, predicted to cause a truncation of the encoded protein. The variant is not expected to result in nonsense mediated decay but, will be missing the last few amino acids of the protein. However, without further functional evidence, its clinical implication is not clear. The variant allele was found at a frequency of 4e-06 in 251420 control chromosomes (gnomAD). To our knowledge, no occurrence of c.2197C>T in individuals affected with Limb-Girdle Muscular Dystrophy, Autosomal Recessive and no experimental evidence demonstrating its impact on protein function have been reported. One ClinVar submitter (evaluation after 2014) cites the variant as likely pathogenic. Based on the evidence outlined above, the variant was classified as uncertain significance until additional clinical reports supported by functional studies are identified.

Eurofins Ntd Llc (ga)
Classification: Likely pathogenic. Last evaluated: 2017-05-11. Review status: criteria provided, single submitter. Criteria: EGL Classification Definitions 2015. Collection method: clinical testing. Allele origin: germline. Observed: 1 variant allele, 1 heterozygote.

Genomic Medicine Lab, University of California San Francisco
Classification: Pathogenic for Muscular dystrophy-dystroglycanopathy (congenital with brain and eye anomalies), type A2. Review status: criteria provided, single submitter. Criteria: ACMG Guidelines, 2015. Collection method: clinical testing. Allele origin: maternal. Study: CSER.

Literature cited by the submitters: PubMed 17634419 (cited by Labcorp Genetics (formerly Invitae), Labcorp); PubMed 17869517 (cited by Labcorp Genetics (formerly Invitae), Labcorp).

NM_013382.7(POMT2):c.2197C>T (p.Gln733Ter)

Gene: POMT2 (protein O-mannosyltransferase 2; minus strand). Cytogenetic location: 14q24.3.
Variant type: single nucleotide variant.
Coding change: c.2197C>T on transcript NM_013382.7 (MANE Select); coding-DNA position 2197, C replaced by T.
Protein change: p.Gln733Ter; replaces glutamine 733 with a stop codon.
Molecular consequence: nonsense.
Genome position (GRCh38, 1-based): chr14:77,277,432, G>A on the plus strand (C>T on the coding strand, the complement: POMT2 is on the minus strand). VCF-style: chr14-77277432-G-A. GRCh37 (hg19) VCF-style: chr14-77743775-G-A.
Other names: short protein forms Q733*.
Identifiers: ClinVar variation 501676 (VCV000501676.12), dbSNP rs1452558347, ClinGen allele CA390512642.